The following is an entry in ClinVar:

ClinVar aggregate classification (germline): Uncertain significance. Review status: criteria provided, multiple submitters, no conflicts (2 of 4 stars). 4 submissions from 4 submitters: Uncertain significance (4). Last evaluated 2026-09-22.

Conditions:
IFT172-related disorder. Also called: IFT172-related disorders; IFT172-related condition.
Inborn genetic diseases. Identifiers: MedGen C0950123, MeSH D030342.
Retinitis pigmentosa 71 (RP71). Identifiers: Orphanet 791, MedGen C4225342, MONDO:0014618, OMIM 616394.
Short-rib thoracic dysplasia 10 with or without polydactyly (SRTD10). Identifiers: Orphanet 474, MedGen C3810175, MONDO:0014284, OMIM 615630.

Allele frequency attached by ClinVar (database versions not stated): gnomAD exomes below 0.00001; TOPMed below 0.00001; ExAC 0.00001; gnomAD 0.00001.
gnomAD v4.1: 3 of 1,610,760 alleles (0.00019%); highest among the groups gnomAD compares: Admixed American, 0.0034%; no homozygotes.

Submissions (4):

PreventionGenetics, part of Exact Sciences
Classification: Uncertain significance for IFT172-related condition. Last evaluated: 2026-09-22. Review status: criteria provided, single submitter. Criteria: ACMG Guidelines, 2015. Collection method: clinical testing. Allele origin: germline.
Comment: The IFT172 c.1559C>A variant is predicted to result in the amino acid substitution p.Thr520Lys. To our knowledge, this variant has not been reported in the literature. This variant is reported in 0.0030% of alleles in individuals of Latino descent in gnomAD. At this time, the clinical significance of this variant is uncertain due to the absence of conclusive functional and genetic evidence.

Ambry Genetics
Classification: Uncertain significance for Inborn genetic diseases. Last evaluated: 2025-05-13. Review status: criteria provided, single submitter. Criteria: Ambry Variant Classification Scheme 2023. Collection method: clinical testing. Allele origin: germline.

Blueprint Genetics
Classification: Uncertain significance. Last evaluated: 2024-09-12. Review status: criteria provided, single submitter. Criteria: ACMG Guidelines, 2015. Collection method: clinical testing. Allele origin: germline.

Labcorp Genetics (formerly Invitae), Labcorp
Classification: Uncertain significance for Retinitis pigmentosa 71; Short-rib thoracic dysplasia 10 with or without polydactyly. Last evaluated: 2022-11-01. Review status: criteria provided, single submitter. Criteria: Invitae Variant Classification Sherloc (09022015). Collection method: clinical testing. Allele origin: germline.
Comment: This sequence change replaces threonine, which is neutral and polar, with lysine, which is basic and polar, at codon 520 of the IFT172 protein (p.Thr520Lys). This variant is present in population databases (rs746692750, gnomAD 0.003%). This variant has not been reported in the literature in individuals affected with IFT172-related conditions. Advanced modeling of protein sequence and biophysical properties (such as structural, functional, and spatial information, amino acid conservation, physicochemical variation, residue mobility, and thermodynamic stability) performed at Invitae indicates that this missense variant is not expected to disrupt IFT172 protein function. In summary, the available evidence is currently insufficient to determine the role of this variant in disease. Therefore, it has been classified as a Variant of Uncertain Significance.

NM_015662.3(IFT172):c.1559C>A (p.Thr520Lys)

Gene: IFT172 (intraflagellar transport 172; minus strand). Cytogenetic location: 2p23.3.
Variant type: single nucleotide variant.
Coding change: c.1559C>A on transcript NM_015662.3 (MANE Select); coding-DNA position 1559, C replaced by A.
Protein change: p.Thr520Lys; replaces threonine 520 with lysine.
Molecular consequence: missense variant.
Genome position (GRCh38, 1-based): chr2:27,471,061, G>T on the plus strand (C>A on the coding strand, the complement: IFT172 is on the minus strand). VCF-style: chr2-27471061-G-T. GRCh37 (hg19) VCF-style: chr2-27693928-G-T.
Other names: c.1559C>A (NM_015662.1, NM_015662.2); short protein forms T520K.
Identifiers: ClinVar variation 2194954 (VCV002194954.4), dbSNP rs746692750, ClinGen allele CA1580588.
Genomic context (GRCh38, chr2:27,471,061, plus strand): 5'-GCTACCAGCACGTCACTTCCTGGGACCCACTGCATATAGGAGCAGAAGTTGAGGATCATT[G>T]TCTTAGAGCAGCTTTCAATATCATACAGATGCAACTGAAGAAAGAAAAGGCAGGTAACAC-3'
Protein context (NP_056477.1, residues 510-530): HLYDIESCSK[Thr520Lys]MILNFCSYMQ